The following is an entry in ClinVar:

ClinVar aggregate classification (germline): Uncertain significance (1 of 4 stars; one submission).

Submission:

GeneDx
Classification: Uncertain significance. Last evaluated: 2024-03-12. Review status: criteria provided, single submitter. Criteria: GeneDx Variant Classification Process June 2021. Collection method: clinical testing. Allele origin: germline. Affected: yes.
Comment: Not observed at significant frequency in large population cohorts (gnomAD); In silico analysis supports that this missense variant does not alter protein structure/function; Has not been previously published as pathogenic or benign to our knowledge

NM_001130053.5(EEF1D):c.1195G>C (p.Val399Leu)

Gene: EEF1D (eukaryotic translation elongation factor 1 delta; minus strand). Cytogenetic location: 8q24.3.
Variant type: single nucleotide variant.
Coding change: c.1195G>C on transcript NM_001130053.5 (MANE Select); coding-DNA position 1195, G replaced by C.
Protein change: p.Val399Leu; replaces valine 399 with leucine.
Molecular consequence: missense variant.
Genome position (GRCh38, 1-based): chr8:143,586,749, C>G on the plus strand (G>C on the coding strand, the complement: EEF1D is on the minus strand). VCF-style: chr8-143586749-C-G. GRCh37 (hg19) VCF-style: chr8-144668919-C-G.
Other names: c.97G>C, p.Val33Leu (NM_001130055.4, NM_001130056.5, NM_001130057.4 and 5 more transcripts); c.1195G>C, p.Val399Leu (NM_032378.7); short protein forms V33L, V399L.
Identifiers: ClinVar variation 3370528 (VCV003370528.1).